The following is an entry in ClinVar:

NM_018896.5(CACNA1G):c.5357G>A (p.Arg1786Gln)

Gene: CACNA1G (calcium voltage-gated channel subunit alpha1 G; plus strand). Cytogenetic location: 17q21.33.
Variant type: single nucleotide variant.
Coding change: c.5357G>A on transcript NM_018896.5 (MANE Select); coding-DNA position 5357, G replaced by A.
Protein change: p.Arg1786Gln; replaces arginine 1786 with glutamine.
Molecular consequence: missense variant. On other transcripts: non-coding transcript variant (5).
Genome position (GRCh38, 1-based): chr17:50,618,273, G>A. VCF-style: chr17-50618273-G-A. GRCh37 (hg19) VCF-style: chr17-48695634-G-A.
Other names: c.5303G>A, p.Arg1768Gln (NM_001256324.2, NM_198386.3); c.5378G>A, p.Arg1793Gln (NM_001256325.2); c.5222G>A, p.Arg1741Gln (NM_001256326.2, NM_001256330.2); c.5336G>A, p.Arg1779Gln (NM_001256327.2); c.5282G>A, p.Arg1761Gln (NM_001256328.2); c.5255G>A, p.Arg1752Gln (NM_001256329.2, NM_198387.3, NM_198396.3 and 2 more transcripts); c.5201G>A, p.Arg1734Gln (NM_001256331.2); c.5186G>A, p.Arg1729Gln (NM_001256332.2); and 7 more; short protein forms R1729Q, R1734Q, R1741Q, R1745Q, R1748Q, R1750Q, R1752Q, R1759Q.
Identifiers: ClinVar variation 2647928 (VCV002647928.24), dbSNP rs369172303, ClinGen allele CA8653382.

ClinVar aggregate classification (germline): Uncertain significance (1 of 4 stars; one submission).

Allele frequency attached by ClinVar (database versions not stated): gnomAD exomes below 0.00001; ExAC 0.00001; gnomAD 0.00001; TOPMed 0.00002; ESP Exome Variant Server 0.00008.
gnomAD v4.1: 5 of 1,613,686 alleles (0.00031%); highest among the groups gnomAD compares: African/African-American, 0.0013%; no homozygotes.

Submission:

CeGaT Center for Human Genetics Tuebingen
Classification: Uncertain significance. Last evaluated: 2023-02-01. Review status: criteria provided, single submitter. Criteria: CeGaT Center For Human Genetics Tuebingen Variant Classification Criteria Version 2. Collection method: clinical testing. Allele origin: germline. Affected: yes. Observed: 1 variant allele.
Comment: CACNA1G: PP2